The following is an entry in ClinVar:

ClinVar aggregate classification (germline): Likely benign (0 of 4 stars; one submission).

Conditions:
TAF2-related disorder. Also called: TAF2-related condition.

Allele frequency attached by ClinVar (database versions not stated): gnomAD exomes below 0.00001; TOPMed 0.00001.
gnomAD v4.1: 2 of 1,614,090 alleles (0.00012%); highest among the groups gnomAD compares: East Asian, 0.0022%; no homozygotes.

Submission:

PreventionGenetics, part of Exact Sciences
Classification: Likely benign for TAF2-related condition. Last evaluated: 2019-06-17. Review status: no assertion criteria provided. Collection method: clinical testing. Allele origin: germline.
Comment: This variant is classified as likely benign based on ACMG/AMP sequence variant interpretation guidelines (Richards et al. 2015 PMID: 25741868, with internal and published modifications).

NM_003184.4(TAF2):c.2904G>A (p.Arg968=)

Gene: TAF2 (TATA-box binding protein associated factor 2; minus strand). Cytogenetic location: 8q24.12.
Variant type: single nucleotide variant.
Coding change: c.2904G>A on transcript NM_003184.4 (MANE Select); coding-DNA position 2904, G replaced by A.
Protein change: p.Arg968=; no amino-acid change (arginine 968 retained).
Molecular consequence: synonymous variant.
Genome position (GRCh38, 1-based): chr8:119,746,909, C>T on the plus strand (G>A on the coding strand, the complement: TAF2 is on the minus strand). VCF-style: chr8-119746909-C-T. GRCh37 (hg19) VCF-style: chr8-120759149-C-T.
Identifiers: ClinVar variation 3034075 (VCV003034075.2), dbSNP rs1820015231, ClinGen allele CA462664656.
Genomic context (GRCh38, chr8:119,746,909, plus strand): 5'-GGGTAAACAGGAAGGTCTACTGAGGCCAAAAAGTGTGAAGTACAAGTCCACAGCACCACA[C>T]CGTAACCTCCAGTCATGTGAAGTACCTAAAAAGTAAGTAATAAAGAAATGAGTCAATATG-3'
Protein context (NP_003175.2, residues 958-978): NSGTSHDWRL[Arg968=]CGAVDLYFTL